The following is an entry in ClinVar:

ClinVar aggregate classification (germline): Uncertain significance (1 of 4 stars; one submission).

Conditions:
Biotinidase deficiency. Also called: BTD deficiency; Late-onset biotin-responsive multiple carboxylase deficiency; Biotin deficiency. Identifiers: Orphanet 79241, MedGen C0220754, MONDO:0009665, OMIM 253260.

Allele frequency attached by ClinVar (database versions not stated): gnomAD exomes below 0.00001.
gnomAD v4.1: 2 of 1,601,696 alleles (0.00012%); highest among the groups gnomAD compares: Non-Finnish European, 0.00017%; no homozygotes.

Submission:

Labcorp Genetics (formerly Invitae), Labcorp
Classification: Uncertain significance for Biotinidase deficiency. Last evaluated: 2022-02-18. Review status: criteria provided, single submitter. Criteria: Invitae Variant Classification Sherloc (09022015). Collection method: clinical testing. Allele origin: germline.
Comment: This sequence change replaces aspartic acid, which is acidic and polar, with glycine, which is neutral and non-polar, at codon 104 of the BTD protein (p.Asp104Gly). This variant is not present in population databases (gnomAD no frequency). This variant has not been reported in the literature in individuals affected with BTD-related conditions. Algorithms developed to predict the effect of missense changes on protein structure and function output the following: SIFT: "Tolerated"; PolyPhen-2: "Benign"; Align-GVGD: "Class C0". The glycine amino acid residue is found in multiple mammalian species, which suggests that this missense change does not adversely affect protein function. In summary, the available evidence is currently insufficient to determine the role of this variant in disease. Therefore, it has been classified as a Variant of Uncertain Significance.

NM_001370658.1(BTD):c.251A>G (p.Asp84Gly)

Gene: BTD (biotinidase; plus strand). Cytogenetic location: 3p25.1.
Variant type: single nucleotide variant.
Coding change: c.251A>G on transcript NM_001370658.1 (MANE Select); coding-DNA position 251, A replaced by G.
Protein change: p.Asp84Gly; replaces aspartic acid 84 with glycine.
Molecular consequence: missense variant.
Genome position (GRCh38, 1-based): chr3:15,641,909, A>G. VCF-style: chr3-15641909-A-G. GRCh37 (hg19) VCF-style: chr3-15683416-A-G.
Other names: c.311A>G, p.Asp104Gly (NM_000060.4); c.251A>G, p.Asp84Gly (NM_001281723.4, NM_001281724.3, NM_001281725.3 and 36 more transcripts); c.314A>G, p.Asp105Gly (NM_001407381.1); short protein forms D84G, D105G, D104G.
Identifiers: ClinVar variation 1984039 (VCV001984039.1), dbSNP rs2471487844, ClinGen allele CA351605019.